The following is an entry in ClinVar:

NM_001036.6(RYR3):c.3561C>T (p.Phe1187=)

Gene: RYR3 (ryanodine receptor 3; plus strand). Cytogenetic location: 15q14.
Variant type: single nucleotide variant.
Coding change: c.3561C>T on transcript NM_001036.6 (MANE Select); coding-DNA position 3561, C replaced by T.
Protein change: p.Phe1187=; no amino-acid change (phenylalanine 1187 retained).
Molecular consequence: synonymous variant.
Genome position (GRCh38, 1-based): chr15:33,644,315, C>T. VCF-style: chr15-33644315-C-T. GRCh37 (hg19) VCF-style: chr15-33936516-C-T.
Other names: c.3561C>T, p.Phe1187= (NM_001243996.4).
Identifiers: ClinVar variation 3047049 (VCV003047049.2), dbSNP rs767631260, ClinGen allele CA7458738.

ClinVar aggregate classification (germline): Likely benign (0 of 4 stars; one submission).

Conditions:
RYR3-related disorder. Also called: RYR3-related condition.

Allele frequency attached by ClinVar (database versions not stated): ExAC 0.00001; gnomAD exomes 0.00001; gnomAD 0.00002; TOPMed 0.00003.
gnomAD v4.1: 16 of 1,608,930 alleles (0.00099%); highest among the groups gnomAD compares: African/African-American, 0.0093%; no homozygotes.

Submission:

PreventionGenetics, part of Exact Sciences
Classification: Likely benign for RYR3-related condition. Last evaluated: 2019-04-26. Review status: no assertion criteria provided. Collection method: clinical testing. Allele origin: germline.
Comment: This variant is classified as likely benign based on ACMG/AMP sequence variant interpretation guidelines (Richards et al. 2015 PMID: 25741868, with internal and published modifications).